The following is an entry in ClinVar:

NM_000142.5(FGFR3):c.201T>C (p.Gly67=)

Gene: FGFR3 (fibroblast growth factor receptor 3; plus strand). Cytogenetic location: 4p16.3.
Variant type: single nucleotide variant.
Coding change: c.201T>C on transcript NM_000142.5 (MANE Select); coding-DNA position 201, T replaced by C.
Protein change: p.Gly67=; no amino-acid change (glycine 67 retained).
Molecular consequence: synonymous variant. On other transcripts: non-coding transcript variant (1).
Genome position (GRCh38, 1-based): chr4:1,799,345, T>C. VCF-style: chr4-1799345-T-C. GRCh37 (hg19) VCF-style: chr4-1801072-T-C.
Other names: c.201T>C, p.Gly67= (NM_001163213.2, NM_001354809.2, NM_001354810.2 and 1 more transcripts).
Identifiers: ClinVar variation 465351 (VCV000465351.41), dbSNP rs752621056, ClinGen allele CA2809747.

ClinVar aggregate classification (germline): Likely benign. Review status: criteria provided, multiple submitters, no conflicts (2 of 4 stars). 6 submissions from 6 submitters: Likely benign (4). 2 of the submissions do not count toward it. Last evaluated 2025-10-15.

Allele frequency attached by ClinVar (database versions not stated): gnomAD 0.00001; TOPMed 0.00002; ExAC 0.00006; gnomAD exomes 0.00006.
gnomAD v4.1: 74 of 1,612,328 alleles (0.0046%); highest among the groups gnomAD compares: Middle Eastern, 0.082%; no homozygotes.

Submissions (6):

Labcorp Genetics (formerly Invitae), Labcorp
Classification: Likely benign. Last evaluated: 2025-10-15. Review status: criteria provided, single submitter. Criteria: Invitae Variant Classification Sherloc (09022015). Collection method: clinical testing. Allele origin: germline.

Blueprint Genetics
Classification: Likely benign. Last evaluated: 2024-09-12. Review status: criteria provided, single submitter. Criteria: ACMG Guidelines, 2015. Collection method: clinical testing. Allele origin: germline.

CeGaT Center for Human Genetics Tuebingen
Classification: Likely benign. Last evaluated: 2022-07-01. Review status: criteria provided, single submitter. Criteria: CeGaT Center For Human Genetics Tuebingen Variant Classification Criteria Version 2. Collection method: clinical testing. Allele origin: germline. Affected: yes. Observed: 1 variant allele.
Comment: FGFR3: BP4, BP7

GeneDx
Classification: Likely benign. Last evaluated: 2021-06-10. Review status: criteria provided, single submitter. Criteria: GeneDx Variant Classification Process June 2021. Collection method: clinical testing. Allele origin: germline. Affected: yes.

Joint Genome Diagnostic Labs from Nijmegen and Maastricht, Radboudumc and MUMC+
Classification: Likely benign. Review status: no assertion criteria provided. Collection method: clinical testing. Allele origin: germline. Affected: yes. Study: VKGL Data-share Consensus. Not counted in ClinVar's aggregate classification.

Laboratory of Diagnostic Genome Analysis, Leiden University Medical Center (LUMC)
Classification: Likely benign. Review status: no assertion criteria provided. Collection method: clinical testing. Allele origin: germline. Affected: yes. Study: VKGL Data-share Consensus. Not counted in ClinVar's aggregate classification.